The following is an entry in ClinVar:

NM_003001.5(SDHC):c.248_251del (p.Ser83fs)

Gene: SDHC (succinate dehydrogenase complex subunit C; plus strand). Cytogenetic location: 1q23.3.
Variant type: Microsatellite.
Coding change: c.248_251del on transcript NM_003001.5 (MANE Select); coding-DNA positions 248 to 251, 4 bases deleted (CTCT; older notation c.248_251delCTCT).
Protein change: p.Ser83fs; shifts the reading frame from serine 83.
Molecular consequence: frameshift variant. On other transcripts: non-coding transcript variant (1), intron variant (3).
Genome position (GRCh38, 1-based): chr1:161,356,683-161,356,686, CTCT deleted; deleting any 4 consecutive bases within chr1:161,356,680-161,356,686 gives the same sequence; the c. name uses the placement nearest the transcript's 3' end. VCF-style (leftmost placement, unchanged base first): chr1-161356679-GTCTC-G. GRCh37 (hg19) VCF-style: chr1-161326469-GTCTC-G.
Other names: c.248_251delCTCT (NM_003001.5); c.146_149del, p.Ser49fs (NM_001035512.3); c.89_92del, p.Ser30fs (NM_001035513.3); c.368_371del, p.Ser123fs (NM_001407115.1); c.191_194del, p.Ser64fs (NM_001407116.1); c.185_188del, p.Ser62fs (NM_001407117.1); c.140_143del, p.Ser47fs (NM_001407118.1); c.137_140del, p.Ser46fs (NM_001407119.1, NM_001407120.1); and 3 more; short protein forms S123fs, S30fs, S46fs, S47fs, S49fs, S62fs, S64fs, S83fs.
Identifiers: ClinVar variation 2637552 (VCV002637552.3), dbSNP rs2102370242, ClinGen allele CA2695199903.

ClinVar aggregate classification (germline): Pathogenic. Review status: criteria provided, multiple submitters, no conflicts (2 of 4 stars). 3 submissions from 3 submitters: Pathogenic (3). Last evaluated 2026-02-09.

Conditions:
Hereditary pheochromocytoma and paraganglioma. Also called: Hereditary Paraganglioma-Pheochromocytoma Syndromes; Hereditary pheochromocytoma-paraganglioma; Hereditary paragangliomas and pheochromocytomas. Identifiers: Orphanet 29072, MedGen C4274332, MONDO:0017366.
Gastrointestinal stromal tumor. Also called: Gastrointestinal stromal tumor, somatic; Gastrointestinal stroma tumor. Identifiers: Orphanet 44890, MedGen C0238198, MeSH D046152, MONDO:0011719, OMIM 606764, HP:0100723.
Pheochromocytoma/paraganglioma syndrome 3. Also called: GLOMUS TUMORS, FAMILIAL, 3; Paragangliomas 3; SDHC-Related Hereditary Paraganglioma-Pheochromocytoma Syndrome (Paragangliomas 3); SDHC-Related Hereditary Paraganglioma-Pheochromocytoma Syndrome. Identifiers: Orphanet 29072, MedGen C1854336, MONDO:0011544, OMIM 605373.

Submissions (3):

Myriad Genetics, Inc.
Classification: Pathogenic for Hereditary pheochromocytoma and paraganglioma. Last evaluated: 2026-02-09. Review status: criteria provided, single submitter. Criteria: Myriad Autosomal Dominant, Autosomal Recessive and X-Linked Classification Criteria (2023). Collection method: clinical testing. Allele origin: unknown.
Comment: This variant is considered pathogenic. This variant creates a frameshift predicted to result in premature protein truncation.

Labcorp Genetics (formerly Invitae), Labcorp
Classification: Pathogenic for Pheochromocytoma/paraganglioma syndrome 3; Gastrointestinal stromal tumor. Last evaluated: 2025-08-06. Review status: criteria provided, single submitter. Criteria: Invitae Variant Classification Sherloc (09022015). Collection method: clinical testing. Allele origin: germline.
Comment: This sequence change creates a premature translational stop signal (p.Ser83Phefs*20) in the SDHC gene. It is expected to result in an absent or disrupted protein product. Loss-of-function variants in SDHC are known to be pathogenic (PMID: 17667967, 19454582, 23282968, 24758179). This variant is not present in population databases (gnomAD no frequency). This variant has not been reported in the literature in individuals affected with SDHC-related conditions. For these reasons, this variant has been classified as Pathogenic.

Women's Health and Genetics/Laboratory Corporation of America, LabCorp
Classification: Pathogenic for Hereditary pheochromocytoma and paraganglioma. Last evaluated: 2023-10-30. Review status: criteria provided, single submitter. Criteria: LabCorp Variant Classification Summary - May 2015. Collection method: clinical testing. Allele origin: germline.
Comment: Variant summary: SDHC c.248_251delCTCT (p.Ser83PhefsX20) results in a premature termination codon, predicted to cause a truncation of the encoded protein or absence of the protein due to nonsense mediated decay, which are commonly known mechanisms for disease. Variants downstream of this position have been classified as pathogenic in ClinVar. The variant was absent in 248776 control chromosomes (gnomAD). To our knowledge, no occurrence of c.248_251delCTCT in individuals affected with Hereditary Paraganglioma-Pheochromocytoma Syndrome and no experimental evidence demonstrating its impact on protein function have been reported. No submitters have cited clinical-significance assessments for this variant to ClinVar after 2014. Based on the evidence outlined above, the variant was classified as pathogenic.

Literature cited by the submitters: PubMed 17667967 (cited by Labcorp Genetics (formerly Invitae), Labcorp); PubMed 19454582 (cited by Labcorp Genetics (formerly Invitae), Labcorp); PubMed 23282968 (cited by Labcorp Genetics (formerly Invitae), Labcorp); PubMed 24758179 (cited by Labcorp Genetics (formerly Invitae), Labcorp).